The following is an entry in ClinVar:

NM_001136472.2(LITAF):c.217C>T (p.Pro73Ser)

Gene: LITAF (lipopolysaccharide induced TNF factor; minus strand). Cytogenetic location: 16p13.13.
Variant type: single nucleotide variant.
Coding change: c.217C>T on transcript NM_001136472.2 (MANE Select); coding-DNA position 217, C replaced by T.
Protein change: p.Pro73Ser; replaces proline 73 with serine.
Molecular consequence: missense variant. On other transcripts: non-coding transcript variant (1).
Genome position (GRCh38, 1-based): chr16:11,556,514, G>A on the plus strand (C>T on the coding strand, the complement: LITAF is on the minus strand). VCF-style: chr16-11556514-G-A. GRCh37 (hg19) VCF-style: chr16-11650370-G-A.
Other names: c.217C>T (NM_004862.3); c.217C>T, p.Pro73Ser (NM_001136473.1, NM_004862.4); short protein forms P73S.
Identifiers: ClinVar variation 2904344 (VCV002904344.4), dbSNP rs540238627, ClinGen allele CA7904159.

ClinVar aggregate classification (germline): Likely benign. Review status: criteria provided, multiple submitters, no conflicts (2 of 4 stars). 2 submissions from 2 submitters: Likely benign (2). Last evaluated 2026-01-02.

Conditions:
Charcot-Marie-Tooth disease type 1C. Also called: Charcot-Marie-Tooth disease, type IC; CHARCOT-MARIE-TOOTH NEUROPATHY, TYPE 1C; NEUROPATHY, HEREDITARY MOTOR AND SENSORY, TYPE IC; CHARCOT-MARIE-TOOTH DISEASE, DEMYELINATING, TYPE 1C; CMT, SLOW NERVE CONDUCTION TYPE C; HMSN IC. Identifiers: Orphanet 101083, MedGen C0270913, MONDO:0010995, OMIM 601098.
LITAF-related disorder. Also called: LITAF-related condition.

Allele frequency attached by ClinVar (database versions not stated): TOPMed below 0.00001; gnomAD 0.00008; ExAC 0.00021; 1000 Genomes Project 30x 0.00031; 1000 Genomes Project 0.00040.
gnomAD v4.1: 154 of 1,612,932 alleles (0.0095%); highest among the groups gnomAD compares: South Asian, 0.16%; 1 homozygote.

Submissions (2):

PreventionGenetics, part of Exact Sciences
Classification: Likely benign for LITAF-related condition. Last evaluated: 2026-01-02. Review status: criteria provided, single submitter. Criteria: ACMG Guidelines, 2015. Collection method: clinical testing. Allele origin: germline.
Comment: This variant is classified as likely benign based on ACMG/AMP sequence variant interpretation guidelines (Richards et al. 2015 PMID: 25741868, with internal and published modifications).

Labcorp Genetics (formerly Invitae), Labcorp
Classification: Likely benign for Charcot-Marie-Tooth disease type 1C. Last evaluated: 2023-07-12. Review status: criteria provided, single submitter. Criteria: Invitae Variant Classification Sherloc (09022015). Collection method: clinical testing. Allele origin: germline.